The following is an entry in ClinVar:

ClinVar aggregate classification (germline): Uncertain significance (1 of 4 stars; one submission).

Conditions:
Adenylosuccinate lyase deficiency (ADSLD). Also called: ADSL DEFICIENCY. Identifiers: Orphanet 46, MedGen C0268126, MONDO:0007068, OMIM 103050.

Submission:

Labcorp Genetics (formerly Invitae), Labcorp
Classification: Uncertain significance for Adenylosuccinate lyase deficiency. Last evaluated: 2021-05-12. Review status: criteria provided, single submitter. Criteria: Invitae Variant Classification Sherloc (09022015). Collection method: clinical testing. Allele origin: germline.
Comment: In summary, the exact genomic location of this variant is unknown and the impact of this duplication on ADSL protein function has not been established. Therefore, it has been classified as a Variant of Uncertain Significance. Duplication of the entire ADSL sequence has not been reported in the literature in an individual affected with an ADSL-related disease. A gross duplication of the genomic region encompassing the full coding sequence of the ADSL gene has been identified. The boundaries of this event are unknown as the duplication extends beyond the assayed region for this gene and therefore may encompass additional genes. As the precise location of this duplication is unknown, it may be in tandem or it may be located elsewhere in the genome.

NC_000022.10:g.(?_39621728)_(41077932_?)dup

Genes: SNORD43 (small nucleolar RNA, C/D box 43; minus strand), RPS19BP1 (ribosomal protein S19 binding protein 1; minus strand), RPL3 (ribosomal protein L3; minus strand), SYNGR1 (synaptogyrin 1; plus strand), ATF4 (activating transcription factor 4; plus strand) and 16 more. Cytogenetic location: 22q13.1-13.2.
Variant type: Duplication.
Identifiers: ClinVar variation 1408743 (VCV001408743.4).